The following is an entry in ClinVar:

NM_015702.3(MMADHC):c.-145A>G

Genes: MMADHC (metabolism of cobalamin associated D; minus strand), MMADHC-DT (MMADHC divergent transcript; plus strand), LOC126806368 (MED14-independent group 3 enhancer GRCh37_chr2:150443500-150444699; plus strand). Cytogenetic location: 2q23.2.
Variant type: single nucleotide variant.
Coding change: c.-145A>G on transcript NM_015702.3 (MANE Select); 145 bases upstream of the start codon, A replaced by G.
Molecular consequence: 5 prime UTR variant. On other transcripts: non-coding transcript variant (1).
Genome position (GRCh38, 1-based): chr2:149,587,756, T>C on the plus strand (A>G on the coding strand, the complement: MMADHC is on the minus strand). VCF-style: chr2-149587756-T-C. GRCh37 (hg19) VCF-style: chr2-150444270-T-C.
Identifiers: ClinVar variation 331390 (VCV000331390.9), dbSNP rs12477482, ClinGen allele CA10611319.

ClinVar aggregate classification (germline): Benign/Likely benign. Review status: criteria provided, multiple submitters, no conflicts (2 of 4 stars). 4 submissions from 3 submitters: Benign (1); Likely benign (3). Last evaluated 2019-07-02.

Conditions:
Disorders of Intracellular Cobalamin Metabolism. Identifiers: MedGen CN043592.
Methylmalonic aciduria and homocystinuria type cblD (MAHCD). Also called: Methylmalonic aciduria with homocystinuria cblD type; METHYLMALONIC ACIDEMIA, cblH TYPE. Identifiers: Orphanet 622, Orphanet 79283, MedGen C1848552, MONDO:0010185, OMIM 277410.

Allele frequency attached by ClinVar (database versions not stated): gnomAD exomes 0.00619; 1000 Genomes Project 0.00978; 1000 Genomes Project 30x 0.01046; TOPMed 0.01541.
gnomAD v4.1: 2,123 of 152,982 alleles (1.4%); highest among the groups gnomAD compares: Middle Eastern, 1.7%; 28 homozygotes.

Submissions (4):

GeneDx
Classification: Likely benign. Last evaluated: 2019-07-02. Review status: criteria provided, single submitter. Criteria: GeneDx Variant Classification Process June 2021. Collection method: clinical testing. Allele origin: germline. Affected: yes.

Illumina Laboratory Services, Illumina
Classification: Likely benign for Methylmalonic aciduria and homocystinuria type cblD. Last evaluated: 2018-01-12. Review status: criteria provided, single submitter. Criteria: ICSL Variant Classification Criteria 13 December 2019. Collection method: clinical testing. Allele origin: germline.
Comment: This variant was observed in the ICSL laboratory as part of a predisposition screen in an ostensibly healthy population. It had not been previously curated by ICSL or reported in the Human Gene Mutation Database (HGMD: prior to June 1st, 2018), and was therefore a candidate for classification through an automated scoring system. Utilizing variant allele frequency, disease prevalence and penetrance estimates, and inheritance mode, an automated score was calculated to assess if this variant is too frequent to cause the disease. Based on the score and internal cut-off values, a variant classified as likely benign is not then subjected to further curation. The score for this variant resulted in a classification of likely benign for this disease.

Illumina Laboratory Services, Illumina
Classification: Benign for Disorders of Intracellular Cobalamin Metabolism. Last evaluated: 2018-01-12. Review status: criteria provided, single submitter. Criteria: ICSL Variant Classification Criteria 13 December 2019. Collection method: clinical testing. Allele origin: germline.
Comment: This variant was observed in the ICSL laboratory as part of a predisposition screen in an ostensibly healthy population. It had not been previously curated by ICSL or reported in the Human Gene Mutation Database (HGMD: prior to June 1st, 2018), and was therefore a candidate for classification through an automated scoring system. Utilizing variant allele frequency, disease prevalence and penetrance estimates, and inheritance mode, an automated score was calculated to assess if this variant is too frequent to cause the disease. Based on the score and internal cut-off values, a variant classified as benign is not then subjected to further curation. The score for this variant resulted in a classification of benign for this disease.

Breakthrough Genomics
Classification: Likely benign. Review status: criteria provided, single submitter. Criteria: ACMG Guidelines, 2015. Collection method: not provided. Allele origin: germline. Inheritance: Autosomal recessive inheritance. Affected: yes.